The following is an entry in ClinVar:

ClinVar aggregate classification (germline): Likely benign (1 of 4 stars; one submission).

gnomAD v4.1: 45 of 1,613,470 alleles (0.0028%); highest among the groups gnomAD compares: Non-Finnish European, 0.0035%; no homozygotes.

Submission:

CeGaT Center for Human Genetics Tuebingen
Classification: Likely benign. Last evaluated: 2026-07-01. Review status: criteria provided, single submitter. Criteria: CeGaT Center For Human Genetics Tuebingen Variant Classification Criteria Version 2. Collection method: clinical testing. Allele origin: germline. Affected: yes. Observed: 1 variant allele.
Comment: SLC45A1: BP4, BP7

NM_001080397.3(SLC45A1):c.822G>T (p.Ala274=)

Gene: SLC45A1 (solute carrier family 45 member 1; plus strand). Cytogenetic location: 1p36.23.
Variant type: single nucleotide variant.
Coding change: c.822G>T on transcript NM_001080397.3 (MANE Select); coding-DNA position 822, G replaced by T.
Protein change: p.Ala274=; no amino-acid change (alanine 274 retained).
Molecular consequence: synonymous variant.
Genome position (GRCh38, 1-based): chr1:8,330,315, G>T. VCF-style: chr1-8330315-G-T. GRCh37 (hg19) VCF-style: chr1-8390375-G-T.
Other names: c.822G>T, p.Ala274= (NM_001379614.1); c.729G>T, p.Ala243= (NM_001379615.1, NM_001379616.1); c.216G>T, p.Ala72= (NM_001379617.1, NM_001379618.1).
Identifiers: ClinVar variation 5039533 (VCV005039533.1).